The following is an entry in ClinVar:

ClinVar aggregate classification (germline): Uncertain significance (1 of 4 stars; one submission).

Conditions:
Birt-Hogg-Dube syndrome. Also called: Birt Hogg Dubé syndrome. Identifiers: Orphanet 122, MedGen C0346010, MONDO:0800444.

Submission:

Labcorp Genetics (formerly Invitae), Labcorp
Classification: Uncertain significance for Birt-Hogg-Dube syndrome. Last evaluated: 2022-11-25. Review status: criteria provided, single submitter. Criteria: Invitae Variant Classification Sherloc (09022015). Collection method: clinical testing. Allele origin: germline.
Comment: Advanced modeling of protein sequence and biophysical properties (such as structural, functional, and spatial information, amino acid conservation, physicochemical variation, residue mobility, and thermodynamic stability) performed at Invitae indicates that this missense variant is not expected to disrupt FLCN protein function. This variant has not been reported in the literature in individuals affected with FLCN-related conditions. In summary, the available evidence is currently insufficient to determine the role of this variant in disease. Therefore, it has been classified as a Variant of Uncertain Significance. This variant is not present in population databases (gnomAD no frequency). This sequence change replaces proline, which is neutral and non-polar, with histidine, which is basic and polar, at codon 76 of the FLCN protein (p.Pro76His).

NM_144997.7(FLCN):c.227C>A (p.Pro76His)

Gene: FLCN (folliculin; minus strand). Cytogenetic location: 17p11.2.
Variant type: single nucleotide variant.
Coding change: c.227C>A on transcript NM_144997.7 (MANE Select); coding-DNA position 227, C replaced by A.
Protein change: p.Pro76His; replaces proline 76 with histidine.
Molecular consequence: missense variant.
Genome position (GRCh38, 1-based): chr17:17,227,911, G>T on the plus strand (C>A on the coding strand, the complement: FLCN is on the minus strand). VCF-style: chr17-17227911-G-T. GRCh37 (hg19) VCF-style: chr17-17131225-G-T.
Other names: c.227C>A, p.Pro76His (NM_001353229.2, NM_001353230.2, NM_001353231.2 and 1 more transcripts); short protein forms P76H.
Identifiers: ClinVar variation 2816683 (VCV002816683.3), dbSNP rs2047302894, ClinGen allele CA398535060.